The following is an entry in ClinVar:

NM_024741.3(ZNF408):c.500T>C (p.Leu167Pro)

Gene: ZNF408 (zinc finger protein 408; plus strand). Cytogenetic location: 11p11.2.
Variant type: single nucleotide variant.
Coding change: c.500T>C on transcript NM_024741.3 (MANE Select); coding-DNA position 500, T replaced by C.
Protein change: p.Leu167Pro; replaces leucine 167 with proline.
Molecular consequence: missense variant.
Genome position (GRCh38, 1-based): chr11:46,703,091, T>C. VCF-style: chr11-46703091-T-C. GRCh37 (hg19) VCF-style: chr11-46724641-T-C.
Other names: c.476T>C, p.Leu159Pro (NM_001184751.2); short protein forms L159P, L167P.
Identifiers: ClinVar variation 953625 (VCV000953625.9), dbSNP rs1026055570, ClinGen allele CA221631475.

ClinVar aggregate classification (germline): Uncertain significance (1 of 4 stars; one submission).

Allele frequency attached by ClinVar (database versions not stated): gnomAD exomes below 0.00001; TOPMed below 0.00001.
gnomAD v4.1: 1 of 1,613,264 alleles (0.000062%); highest among the groups gnomAD compares: African/African-American, 0.0013%; no homozygotes.

Submission:

Labcorp Genetics (formerly Invitae), Labcorp
Classification: Uncertain significance. Last evaluated: 2019-08-31. Review status: criteria provided, single submitter. Criteria: Invitae Variant Classification Sherloc (09022015). Collection method: clinical testing. Allele origin: germline.
Comment: This sequence change replaces leucine with proline at codon 167 of the ZNF408 protein (p.Leu167Pro). The leucine residue is highly conserved and there is a moderate physicochemical difference between leucine and proline. This variant is not present in population databases (ExAC no frequency). This variant has not been reported in the literature in individuals with ZNF408-related conditions. Algorithms developed to predict the effect of missense changes on protein structure and function (SIFT, PolyPhen-2, Align-GVGD) all suggest that this variant is likely to be disruptive, but these predictions have not been confirmed by published functional studies and their clinical significance is uncertain. In summary, the available evidence is currently insufficient to determine the role of this variant in disease. Therefore, it has been classified as a Variant of Uncertain Significance.